The following is an entry in ClinVar:

NM_007289.4(MME):c.1318-1G>C

Gene: MME (membrane metalloendopeptidase; plus strand). Cytogenetic location: 3q25.2.
Variant type: single nucleotide variant.
Coding change: c.1318-1G>C on transcript NM_007289.4 (MANE Select); the canonical splice acceptor site of the intron before coding-DNA position 1318, G replaced by C.
Molecular consequence: splice acceptor variant.
Genome position (GRCh38, 1-based): chr3:155,144,358, G>C. VCF-style: chr3-155144358-G-C. GRCh37 (hg19) VCF-style: chr3-154862147-G-C.
Other names: c.1318-1G>C (NM_001354642.2, NM_000902.5, NM_007287.4 and 2 more transcripts).
Identifiers: ClinVar variation 1978377 (VCV001978377.4), dbSNP rs2473082304, ClinGen allele CA355130539.

ClinVar aggregate classification (germline): Likely pathogenic (1 of 4 stars; one submission).

Allele frequency attached by ClinVar (database versions not stated): gnomAD exomes below 0.00001.

Submission:

Labcorp Genetics (formerly Invitae), Labcorp
Classification: Likely pathogenic. Last evaluated: 2023-03-07. Review status: criteria provided, single submitter. Criteria: Invitae Variant Classification Sherloc (09022015). Collection method: clinical testing. Allele origin: germline.
Comment: In summary, the currently available evidence indicates that the variant is pathogenic, but additional data are needed to prove that conclusively. Therefore, this variant has been classified as Likely Pathogenic. This sequence change affects an acceptor splice site in intron 13 of the MME gene. It is expected to disrupt RNA splicing. Variants that disrupt the donor or acceptor splice site typically lead to a loss of protein function (PMID: 16199547), and loss-of-function variants in MME are known to be pathogenic (PMID: 26991897). This variant is not present in population databases (gnomAD no frequency). This variant has not been reported in the literature in individuals affected with MME-related conditions. ClinVar contains an entry for this variant (Variation ID: 1978377). Algorithms developed to predict the effect of sequence changes on RNA splicing suggest that this variant may disrupt the consensus splice site.

Literature cited by the submitters: PubMed 16199547; PubMed 26991897.